The following is an entry in ClinVar:

ClinVar aggregate classification (germline): Conflicting classifications of pathogenicity. Review status: criteria provided, conflicting classifications (1 of 4 stars). 2 submissions from 2 submitters: Likely pathogenic (1); Uncertain significance (1). Last evaluated 2025-01-21.

Conditions:
FBN1-related disorder. Also called: FBN1-related disorders.
Marfan syndrome (MFS). Also called: MARFAN SYNDROME, TYPE I; Marfan syndrome type 1; Marfan's syndrome; Marfan syndrome, classic; FBN1-Related Marfan Syndrome. Identifiers: Orphanet 284963, Orphanet 558, MedGen C0024796, MONDO:0007947, OMIM 154700.
Familial thoracic aortic aneurysm and aortic dissection (TAAD). Also called: Thoracic aortic aneurysms and dissections. Identifiers: Orphanet 91387, MedGen C4707243, MONDO:0019625.

Submissions (2):

PreventionGenetics, part of Exact Sciences
Classification: Likely pathogenic for FBN1-related condition. Last evaluated: 2025-01-21. Review status: criteria provided, single submitter. Criteria: ACMG Guidelines, 2015. Collection method: clinical testing. Allele origin: germline.
Comment: The FBN1 c.1128_1147+2dup22 variant is predicted to result in an in-frame duplication (p.?). To our knowledge, this variant has not been reported in the literature or in a large population database (gnomAD), indicating this variant is rare. This duplication spans the exon-intron boundary and retains the consensus GT splice donor site; therefore, it is unclear whether this variant impacts splicing. This variant is interpreted as likely pathogenic.

Labcorp Genetics (formerly Invitae), Labcorp
Classification: Uncertain significance for Marfan syndrome; Familial thoracic aortic aneurysm and aortic dissection. Last evaluated: 2023-10-20. Review status: criteria provided, single submitter. Criteria: Invitae Variant Classification Sherloc (09022015). Collection method: clinical testing. Allele origin: germline.
Comment: This sequence change falls in intron 10 of the FBN1 gene. It does not directly change the encoded amino acid sequence of the FBN1 protein. It affects a nucleotide within the consensus splice site. This variant is not present in population databases (gnomAD no frequency). This variant has been observed in individual(s) with Marfan syndrome (Invitae). Variants that disrupt the consensus splice site are a relatively common cause of aberrant splicing (PMID: 17576681, 9536098). In summary, the available evidence is currently insufficient to determine the role of this variant in disease. Therefore, it has been classified as a Variant of Uncertain Significance.

Literature cited by the submitters: PubMed 17576681 (cited by Labcorp Genetics (formerly Invitae), Labcorp); PubMed 9536098 (cited by Labcorp Genetics (formerly Invitae), Labcorp).

NM_000138.5(FBN1):c.1128_1147+2dup

Genes: FBN1 (fibrillin 1; minus strand), LOC113939944 (Sharpr-MPRA regulatory region 9539; plus strand). Cytogenetic location: 15q21.1.
Variant type: Duplication.
Coding change: c.1128_1147+2dup on transcript NM_000138.5 (MANE Select); coding-DNA position 1128 through the canonical splice donor site of the intron after coding-DNA position 1147, 22 bases duplicated (GTGTCCCATCAGAGCAACCGGT).
Molecular consequence: splice donor variant.
Genome position (GRCh38, 1-based): chr15:48,520,657-48,520,678, ACCGGTTGCTCTGATGGGACAC duplicated on the plus strand (GTGTCCCATCAGAGCAACCGGT on the coding strand, the reverse complement: FBN1 is on the minus strand); duplicating any 22 consecutive bases within chr15:48,520,657-48,520,679 gives the same sequence; the c. name uses the placement nearest the transcript's 3' end. VCF-style (leftmost placement, unchanged base first): chr15-48520656-T-TACCGGTTGCTCTGATGGGACAC. GRCh37 (hg19) VCF-style: chr15-48812853-T-TACCGGTTGCTCTGATGGGACAC.
Other names: c.1128_1147+2dup (NM_001406716.1); c.1128_1147+2dup22 (NM_000138.4).
Identifiers: ClinVar variation 2953096 (VCV002953096.4), dbSNP rs2505628606, ClinGen allele CA2740096687.